The following is an entry in ClinVar:

NM_001287491.2(TET3):c.125C>T (p.Ser42Phe)

Gene: TET3 (tet methylcytosine dioxygenase 3; plus strand). Cytogenetic location: 2p13.1.
Variant type: single nucleotide variant.
Coding change: c.125C>T on transcript NM_001287491.2 (MANE Select); coding-DNA position 125, C replaced by T.
Protein change: p.Ser42Phe; replaces serine 42 with phenylalanine.
Molecular consequence: missense variant.
Genome position (GRCh38, 1-based): chr2:73,986,528, C>T. VCF-style: chr2-73986528-C-T. GRCh37 (hg19) VCF-style: chr2-74213655-C-T.
Other names: short protein forms S42F.
Identifiers: ClinVar variation 5018302 (VCV005018302.1).

ClinVar aggregate classification (germline): Uncertain significance (1 of 4 stars; one submission).

Submission:

GeneDx
Classification: Uncertain significance. Last evaluated: 2026-04-07. Review status: criteria provided, single submitter. Criteria: GeneDx Variant Classification Process June 2021. Collection method: clinical testing. Allele origin: germline.
Comment: Has not been previously published as pathogenic or benign to our knowledge; No data available from control populations to assess the frequency of this variant; In silico analysis does not support a benign or deleterious effect of this variant on protein structure/function